The following is an entry in ClinVar:

NM_020632.3(ATP6V0A4):c.173G>A (p.Cys58Tyr)

Gene: ATP6V0A4 (ATPase H+ transporting V0 subunit a4; minus strand). Cytogenetic location: 7q34.
Variant type: single nucleotide variant.
Coding change: c.173G>A on transcript NM_020632.3 (MANE Select); coding-DNA position 173, G replaced by A.
Protein change: p.Cys58Tyr; replaces cysteine 58 with tyrosine.
Molecular consequence: missense variant.
Genome position (GRCh38, 1-based): chr7:138,769,196, C>T on the plus strand (G>A on the coding strand, the complement: ATP6V0A4 is on the minus strand). VCF-style: chr7-138769196-C-T. GRCh37 (hg19) VCF-style: chr7-138453941-C-T.
Other names: c.173G>A, p.Cys58Tyr (NM_130840.3, NM_130841.3); short protein forms C58Y.
Identifiers: ClinVar variation 3256598 (VCV003256598.3).

ClinVar aggregate classification (germline): Uncertain significance. Review status: criteria provided, multiple submitters, no conflicts (2 of 4 stars). 2 submissions from 2 submitters: Uncertain significance (2). Last evaluated 2024-05-24.

Conditions:
Renal tubular acidosis, distal, 3, with or without sensorineural hearing loss (DRTA3). Identifiers: MedGen C5399980, MONDO:0011268, OMIM 602722.

gnomAD v4.1: 11 of 1,611,770 alleles (0.00068%); highest among the groups gnomAD compares: South Asian, 0.0022%; no homozygotes.

Submissions (2):

Department of Paediatric Medicine, Post Graduation Institute of Medical Education and Research
Classification: Uncertain significance for Renal tubular acidosis, distal, 3, with or without sensorineural hearing loss. Last evaluated: 2024-05-24. Review status: criteria provided, single submitter. Criteria: ACMG Guidelines, 2015. Collection method: clinical testing. Allele origin: inherited. Inheritance: Autosomal recessive inheritance. Affected: yes. Observed: 1 variant allele, 1 heterozygote.
Comment: A heterozygous missense variant in exon 4 of the ATP6V0A4 gene (chr7:g.138769196C>T) that results in the amino acid substitution of Tyrosine for Cysteine at codon 58 (p.Cys58Tyr) was detected (Table). The p.Cys58Tyr variant has not been reported in the 1000 genomes databases and has a minor allele frequency of 0.00066%, 0.00120%, 0.00076% and 0.00087% in the gnomAD (v3.1), gnomdAD (v2.1), topmed . The in silico predictions of the variant are probably damaging by PolyPhen-2 (HumDiv) and damaging by SIFT, LRT and MutationTaster2. The reference codon is conserved across species.

Fulgent Genetics
Classification: Uncertain significance for Renal tubular acidosis, distal, 3, with or without sensorineural hearing loss. Last evaluated: 2023-12-23. Review status: criteria provided, single submitter. Criteria: ACMG Guidelines, 2015. Collection method: clinical testing. Allele origin: germline.